The following is an entry in ClinVar:

ClinVar aggregate classification (germline): Uncertain significance (1 of 4 stars; one submission).

Submission:

Ambry Genetics
Classification: Uncertain significance. Last evaluated: 2025-05-16. Review status: criteria provided, single submitter. Criteria: Ambry Variant Classification Scheme 2023. Collection method: clinical testing. Allele origin: germline.
Comment: The p.R40I variant (also known as c.119G>T), located in coding exon 1 of the RNF43 gene, results from a G to T substitution at nucleotide position 119. The arginine at codon 40 is replaced by isoleucine, an amino acid with similar properties. This amino acid position is conserved. In addition, this alteration is predicted to be tolerated by in silico analysis. Based on the available evidence, the clinical significance of this variant remains unclear.

NM_017763.6(RNF43):c.119G>T (p.Arg40Ile)

Gene: RNF43 (ring finger protein 43; minus strand). Cytogenetic location: 17q22.
Variant type: single nucleotide variant.
Coding change: c.119G>T on transcript NM_017763.6 (MANE Select); coding-DNA position 119, G replaced by T.
Protein change: p.Arg40Ile; replaces arginine 40 with isoleucine.
Molecular consequence: missense variant.
Genome position (GRCh38, 1-based): chr17:58,415,459, C>A on the plus strand (G>T on the coding strand, the complement: RNF43 is on the minus strand). VCF-style: chr17-58415459-C-A. GRCh37 (hg19) VCF-style: chr17-56492820-C-A.
Other names: c.119G>T, p.Arg40Ile (NM_001305544.3); short protein forms R40I.
Identifiers: ClinVar variation 3946891 (VCV003946891.1).